The following is an entry in ClinVar:

ClinVar aggregate classification (germline): Uncertain significance (1 of 4 stars; one submission).

Submission:

Ambry Genetics
Classification: Uncertain significance. Last evaluated: 2026-09-04. Review status: criteria provided, single submitter. Criteria: Ambry Variant Classification Scheme 2023. Collection method: clinical testing. Allele origin: germline.
Comment: The p.E1056A variant (also known as c.3167A>C), located in coding exon 12 of the WNK2 gene, results from an A to C substitution at nucleotide position 3167. The glutamic acid at codon 1056 is replaced by alanine, an amino acid with dissimilar properties. This amino acid position is conserved. In addition, this alteration is predicted to be tolerated by in silico analysis. Based on the available evidence, the clinical significance of this variant remains unclear.

NM_006648.4(WNK2):c.3167A>C (p.Glu1056Ala)

Gene: WNK2 (WNK lysine deficient protein kinase 2; plus strand). Cytogenetic location: 9q22.31.
Variant type: single nucleotide variant.
Coding change: c.3167A>C on transcript NM_006648.4 (MANE Select); coding-DNA position 3167, A replaced by C.
Protein change: p.Glu1056Ala; replaces glutamic acid 1056 with alanine.
Molecular consequence: missense variant.
Genome position (GRCh38, 1-based): chr9:93,261,914, A>C. VCF-style: chr9-93261914-A-C. GRCh37 (hg19) VCF-style: chr9-96024196-A-C.
Other names: c.3167A>C, p.Glu1056Ala (NM_001282394.3); short protein forms E1056A.
Identifiers: ClinVar variation 5031967 (VCV005031967.1).